The following is an entry in ClinVar:

NM_001430.5(EPAS1):c.2275A>C (p.Asn759His)

Gene: EPAS1 (endothelial PAS domain protein 1; plus strand). Cytogenetic location: 2p21.
Variant type: single nucleotide variant.
Coding change: c.2275A>C on transcript NM_001430.5 (MANE Select); coding-DNA position 2275, A replaced by C.
Protein change: p.Asn759His; replaces asparagine 759 with histidine.
Molecular consequence: missense variant.
Genome position (GRCh38, 1-based): chr2:46,382,077, A>C. VCF-style: chr2-46382077-A-C. GRCh37 (hg19) VCF-style: chr2-46609216-A-C.
Other names: short protein forms N759H.
Identifiers: ClinVar variation 1788843 (VCV001788843.2), dbSNP rs773061058, ClinGen allele CA346705906.

ClinVar aggregate classification (germline): Uncertain significance (1 of 4 stars; one submission).

Conditions:
Inborn genetic diseases. Identifiers: MedGen C0950123, MeSH D030342.

gnomAD v4.1: 1 of 1,613,942 alleles (0.000062%); highest among the groups gnomAD compares: Non-Finnish European, 0.000085%; no homozygotes.

Submission:

Ambry Genetics
Classification: Uncertain significance for Inborn genetic diseases. Last evaluated: 2021-12-06. Review status: criteria provided, single submitter. Criteria: Ambry Variant Classification Scheme 2023. Collection method: clinical testing. Allele origin: germline.
Comment: The p.N759H variant (also known as c.2275A>C), located in coding exon 14 of the EPAS1 gene, results from an A to C substitution at nucleotide position 2275. The asparagine at codon 759 is replaced by histidine, an amino acid with similar properties. This amino acid position is conserved. In addition, this alteration is predicted to be tolerated by in silico analysis. Since supporting evidence is limited at this time, the clinical significance of this alteration remains unclear.